The following is an entry in ClinVar:

NM_012469.4(PRPF6):c.1420G>C (p.Glu474Gln)

Gene: PRPF6 (pre-mRNA processing factor 6; plus strand). Cytogenetic location: 20q13.33.
Variant type: single nucleotide variant.
Coding change: c.1420G>C on transcript NM_012469.4 (MANE Select); coding-DNA position 1420, G replaced by C.
Protein change: p.Glu474Gln; replaces glutamic acid 474 with glutamine.
Molecular consequence: missense variant.
Genome position (GRCh38, 1-based): chr20:64,011,399, G>C. VCF-style: chr20-64011399-G-C. GRCh37 (hg19) VCF-style: chr20-62642752-G-C.
Other names: short protein forms E474Q.
Identifiers: ClinVar variation 3665592 (VCV003665592.2).
Genomic context (GRCh38, chr20:64,011,399, plus strand): 5'-AACAAGGCGCGGGAGAACATTCCTACAGACCGACATATCTGGATCACGGCTGCTAAGCTG[G>C]AGGAAGCCAATGGGAACACGCAGATGGTGGAGAAGATCATCGACCGAGCCATCACCTCGC-3'
Protein context (NP_036601.2, residues 464-484): RHIWITAAKL[Glu474Gln]EANGNTQMVE

ClinVar aggregate classification (germline): Uncertain significance (1 of 4 stars; one submission).

gnomAD v4.1: 1 of 1,614,236 alleles (0.000062%); highest among the groups gnomAD compares: Non-Finnish European, 0.000085%; no homozygotes.

Submission:

Labcorp Genetics (formerly Invitae), Labcorp
Classification: Uncertain significance. Last evaluated: 2024-11-19. Review status: criteria provided, single submitter. Criteria: Invitae Variant Classification Sherloc (09022015). Collection method: clinical testing. Allele origin: germline.
Comment: This sequence change replaces glutamic acid, which is acidic and polar, with glutamine, which is neutral and polar, at codon 474 of the PRPF6 protein (p.Glu474Gln). This variant is not present in population databases (gnomAD no frequency). This variant has not been reported in the literature in individuals affected with PRPF6-related conditions. Invitae Evidence Modeling of protein sequence and biophysical properties (such as structural, functional, and spatial information, amino acid conservation, physicochemical variation, residue mobility, and thermodynamic stability) indicates that this missense variant is not expected to disrupt PRPF6 protein function with a negative predictive value of 80%. In summary, the available evidence is currently insufficient to determine the role of this variant in disease. Therefore, it has been classified as a Variant of Uncertain Significance.